The following is an entry in ClinVar:

NM_003482.4(KMT2D):c.4839A>G (p.Gln1613=)

Gene: KMT2D (lysine methyltransferase 2D; minus strand). Cytogenetic location: 12q13.12.
Variant type: single nucleotide variant.
Coding change: c.4839A>G on transcript NM_003482.4 (MANE Select); coding-DNA position 4839, A replaced by G.
Protein change: p.Gln1613=; no amino-acid change (glutamine 1613 retained).
Molecular consequence: synonymous variant.
Genome position (GRCh38, 1-based): chr12:49,044,868, T>C on the plus strand (A>G on the coding strand, the complement: KMT2D is on the minus strand). VCF-style: chr12-49044868-T-C. GRCh37 (hg19) VCF-style: chr12-49438651-T-C.
Identifiers: ClinVar variation 2792075 (VCV002792075.6), dbSNP rs1943714731, ClinGen allele CA479512960.

ClinVar aggregate classification (germline): Likely benign. Review status: criteria provided, multiple submitters, no conflicts (2 of 4 stars). 3 submissions from 3 submitters: Likely benign (2). 1 of the submissions does not count toward it. Last evaluated 2024-07-29.

Conditions:
KMT2D-related disorder. Also called: KMT2D-Related Disorders.
Kabuki syndrome. Also called: NIIKAWA-KUROKI SYNDROME; Kabuki make-up syndrome. Identifiers: Orphanet 2322, MedGen C0796004, MONDO:0016512.

Allele frequency attached by ClinVar (database versions not stated): gnomAD 0.00001; gnomAD exomes 0.00001.

Submissions (3):

Blueprint Genetics
Classification: Likely benign. Last evaluated: 2024-07-29. Review status: criteria provided, single submitter. Criteria: ACMG Guidelines, 2015. Collection method: clinical testing. Allele origin: germline.

Labcorp Genetics (formerly Invitae), Labcorp
Classification: Likely benign for Kabuki syndrome. Last evaluated: 2023-11-24. Review status: criteria provided, single submitter. Criteria: Invitae Variant Classification Sherloc (09022015). Collection method: clinical testing. Allele origin: germline.

PreventionGenetics, part of Exact Sciences
Classification: Likely benign for KMT2D-related condition. Last evaluated: 2021-08-23. Review status: no assertion criteria provided. Collection method: clinical testing. Allele origin: germline. Not counted in ClinVar's aggregate classification.
Comment: This variant is classified as likely benign based on ACMG/AMP sequence variant interpretation guidelines (Richards et al. 2015 PMID: 25741868, with internal and published modifications).